The following is an entry in ClinVar:

ClinVar aggregate classification (germline): Benign/Likely benign. Review status: criteria provided, multiple submitters, no conflicts (2 of 4 stars). 6 submissions from 5 submitters: Benign (1); Likely benign (5). Last evaluated 2025-07-29.

Conditions:
Schwartz-Jampel syndrome. Also called: Myotonic myopathy dwarfism chondrodystrophy and ocular and facial abnormalities. Identifiers: Orphanet 800, MedGen C0036391, MONDO:0009717.
Lethal Kniest-like syndrome (DDSH). Also called: Dyssegmental Dysplasia. Identifiers: Orphanet 1865, MedGen C1857100, MONDO:0009140, OMIM 224410.

Allele frequency attached by ClinVar (database versions not stated): gnomAD 0.00003; TOPMed 0.00007; gnomAD exomes 0.00034; 1000 Genomes Project 30x 0.00281; 1000 Genomes Project 0.00339.
gnomAD v4.1: 547 of 1,613,660 alleles (0.034%); highest among the groups gnomAD compares: South Asian, 0.52%; 6 homozygotes.

Submissions (6):

Labcorp Genetics (formerly Invitae), Labcorp
Classification: Likely benign. Last evaluated: 2025-07-29. Review status: criteria provided, single submitter. Criteria: Invitae Variant Classification Sherloc (09022015). Collection method: clinical testing. Allele origin: germline.

CeGaT Center for Human Genetics Tuebingen
Classification: Likely benign. Last evaluated: 2025-06-01. Review status: criteria provided, single submitter. Criteria: CeGaT Center For Human Genetics Tuebingen Variant Classification Criteria Version 2. Collection method: clinical testing. Allele origin: germline. Affected: yes. Observed: 2 variant alleles.
Comment: HSPG2: BP4, BS2

Blueprint Genetics
Classification: Likely benign. Last evaluated: 2024-08-07. Review status: criteria provided, single submitter. Criteria: ACMG Guidelines, 2015. Collection method: clinical testing. Allele origin: germline.

GeneDx
Classification: Benign. Last evaluated: 2020-07-31. Review status: criteria provided, single submitter. Criteria: GeneDx Variant Classification Process June 2021. Collection method: clinical testing. Allele origin: germline. Affected: yes.

Illumina Laboratory Services, Illumina
Classification: Likely benign for Schwartz-Jampel syndrome type 1. Last evaluated: 2018-01-13. Review status: criteria provided, single submitter. Criteria: ICSL Variant Classification Criteria 13 December 2019. Collection method: clinical testing. Allele origin: germline.
Comment: This variant was observed in the ICSL laboratory as part of a predisposition screen in an ostensibly healthy population. It had not been previously curated by ICSL or reported in the Human Gene Mutation Database (HGMD: prior to June 1st, 2018), and was therefore a candidate for classification through an automated scoring system. Utilizing variant allele frequency, disease prevalence and penetrance estimates, and inheritance mode, an automated score was calculated to assess if this variant is too frequent to cause the disease. Based on the score and internal cut-off values, a variant classified as likely benign is not then subjected to further curation. The score for this variant resulted in a classification of likely benign for this disease.

Illumina Laboratory Services, Illumina
Classification: Likely benign for Lethal Kniest-like syndrome. Last evaluated: 2018-01-13. Review status: criteria provided, single submitter. Criteria: ICSL Variant Classification Criteria 13 December 2019. Collection method: clinical testing. Allele origin: germline.
Comment: the same text as in the submission from Illumina Laboratory Services, Illumina above.

NM_005529.7(HSPG2):c.2034G>T (p.Gln678His)

Gene: HSPG2 (heparan sulfate proteoglycan 2; minus strand). Cytogenetic location: 1p36.12.
Variant type: single nucleotide variant.
Coding change: c.2034G>T on transcript NM_005529.7 (MANE Select); coding-DNA position 2034, G replaced by T.
Protein change: p.Gln678His; replaces glutamine 678 with histidine.
Molecular consequence: missense variant.
Genome position (GRCh38, 1-based): chr1:21,880,524, C>A on the plus strand (G>T on the coding strand, the complement: HSPG2 is on the minus strand). VCF-style: chr1-21880524-C-A. GRCh37 (hg19) VCF-style: chr1-22207017-C-A.
Other names: c.2037G>T, p.Gln679His (NM_001291860.2); short protein forms Q678H, Q679H.
Identifiers: ClinVar variation 735461 (VCV000735461.42), dbSNP rs375600124, ClinGen allele CA673210.
Genomic context (GRCh38, chr1:21,880,524, plus strand): 5'-GTACACGGTCTGGATGAGCACGGCCTCCAGGCTCTGCAGCACCTGCAGCAGCTCCGCGCG[C>A]TGCACCGGCCGGCCAGACTCATGGACCCAGTGCTCCTGGGTATGGGTGAAGGTGGCAGGG-3'
Protein context (NP_005520.4, residues 668-688): HWVHESGRPV[Gln678His]RAELLQVLQS